The following is an entry in ClinVar:

NM_001372.4(DNAH9):c.7492G>A (p.Glu2498Lys)

Gene: DNAH9 (dynein axonemal heavy chain 9; plus strand). Cytogenetic location: 17p12.
Variant type: single nucleotide variant.
Coding change: c.7492G>A on transcript NM_001372.4 (MANE Select); coding-DNA position 7492, G replaced by A.
Protein change: p.Glu2498Lys; replaces glutamic acid 2498 with lysine.
Molecular consequence: missense variant.
Genome position (GRCh38, 1-based): chr17:11,769,269, G>A. VCF-style: chr17-11769269-G-A. GRCh37 (hg19) VCF-style: chr17-11672586-G-A.
Other names: short protein forms E2498K.
Identifiers: ClinVar variation 2422094 (VCV002422094.5), dbSNP rs376024335, ClinGen allele CA8396636.

ClinVar aggregate classification (germline): Uncertain significance (1 of 4 stars; one submission).

Allele frequency attached by ClinVar (database versions not stated): gnomAD exomes 0.00001; TOPMed 0.00001; ExAC 0.00002; ESP Exome Variant Server 0.00015.
gnomAD v4.1: 16 of 1,614,072 alleles (0.00099%); highest among the groups gnomAD compares: Admixed American, 0.005%; no homozygotes.

Submission:

Labcorp Genetics (formerly Invitae), Labcorp
Classification: Uncertain significance. Last evaluated: 2025-11-03. Review status: criteria provided, single submitter. Criteria: Invitae Variant Classification Sherloc (09022015). Collection method: clinical testing. Allele origin: germline.
Comment: This sequence change replaces glutamic acid, which is acidic and polar, with lysine, which is basic and polar, at codon 2498 of the DNAH9 protein (p.Glu2498Lys). This variant is present in population databases (rs376024335, gnomAD 0.003%). This variant has not been reported in the literature in individuals affected with DNAH9-related conditions. ClinVar contains an entry for this variant (Variation ID: 2422094). Invitae Evidence Modeling of protein sequence and biophysical properties (such as structural, functional, and spatial information, amino acid conservation, physicochemical variation, residue mobility, and thermodynamic stability) indicates that this missense variant is not expected to disrupt DNAH9 protein function with a negative predictive value of 80%. In summary, the available evidence is currently insufficient to determine the role of this variant in disease. Therefore, it has been classified as a Variant of Uncertain Significance.